The following is an entry in ClinVar:

ClinVar aggregate classification (germline): Uncertain significance (1 of 4 stars; one submission).

Allele frequency attached by ClinVar (database versions not stated): TOPMed below 0.00001; gnomAD 0.00001; gnomAD exomes 0.00003.
gnomAD v4.1: 20 of 1,612,302 alleles (0.0012%); highest among the groups gnomAD compares: East Asian, 0.04%; no homozygotes.

Submission:

Labcorp Genetics (formerly Invitae), Labcorp
Classification: Uncertain significance. Last evaluated: 2022-09-23. Review status: criteria provided, single submitter. Criteria: Invitae Variant Classification Sherloc (09022015). Collection method: clinical testing. Allele origin: germline.
Comment: This sequence change replaces glycine, which is neutral and non-polar, with aspartic acid, which is acidic and polar, at codon 538 of the PITPNM3 protein (p.Gly538Asp). This variant is present in population databases (no rsID available, gnomAD 0.006%). This variant has not been reported in the literature in individuals affected with PITPNM3-related conditions. Advanced modeling of protein sequence and biophysical properties (such as structural, functional, and spatial information, amino acid conservation, physicochemical variation, residue mobility, and thermodynamic stability) performed at Invitae indicates that this missense variant is not expected to disrupt PITPNM3 protein function. Algorithms developed to predict the effect of sequence changes on RNA splicing suggest that this variant may disrupt the consensus splice site. In summary, the available evidence is currently insufficient to determine the role of this variant in disease. Therefore, it has been classified as a Variant of Uncertain Significance.

NM_031220.4(PITPNM3):c.1613G>A (p.Gly538Asp)

Gene: PITPNM3 (PITPNM family member 3; minus strand). Cytogenetic location: 17p13.2.
Variant type: single nucleotide variant.
Coding change: c.1613G>A on transcript NM_031220.4 (MANE Select); coding-DNA position 1613, G replaced by A.
Protein change: p.Gly538Asp; replaces glycine 538 with aspartic acid.
Molecular consequence: missense variant.
Genome position (GRCh38, 1-based): chr17:6,471,172, C>T on the plus strand (G>A on the coding strand, the complement: PITPNM3 is on the minus strand). VCF-style: chr17-6471172-C-T. GRCh37 (hg19) VCF-style: chr17-6374492-C-T.
Other names: c.1505G>A, p.Gly502Asp (NM_001165966.2); short protein forms G502D, G538D.
Identifiers: ClinVar variation 1970651 (VCV001970651.5), dbSNP rs931027821, ClinGen allele CA287315329.
Genomic context (GRCh38, chr17:6,471,172, plus strand): 5'-GGTTCCCCTCCCCCGAATCCAGGCAGGGCCCCAAAAGGACCTCACTCACTGCGGGAGGCA[C>T]CCACGGGTGCCATGCTGTCCGAGGACTCCGAGCTCTCGCTGTGGGAGCTCCCCTCGCTCA-3'
Protein context (NP_112497.2, residues 528-548): SESSDSMAPV[Gly538Asp]ASRITAKWWG